The following is an entry in ClinVar:

NM_080473.5(GATA5):c.83C>T (p.Ala28Val)

Gene: GATA5 (GATA binding protein 5; minus strand). Cytogenetic location: 20q13.33.
Variant type: single nucleotide variant.
Coding change: c.83C>T on transcript NM_080473.5 (MANE Select); coding-DNA position 83, C replaced by T.
Protein change: p.Ala28Val; replaces alanine 28 with valine.
Molecular consequence: missense variant.
Genome position (GRCh38, 1-based): chr20:62,475,439, G>A on the plus strand (C>T on the coding strand, the complement: GATA5 is on the minus strand). VCF-style: chr20-62475439-G-A. GRCh37 (hg19) VCF-style: chr20-61050495-G-A.
Other names: short protein forms A28V.
Identifiers: ClinVar variation 1190007 (VCV001190007.13), dbSNP rs112701160, ClinGen allele CA9946333.

ClinVar aggregate classification (germline): Uncertain significance. Review status: criteria provided, multiple submitters, no conflicts (2 of 4 stars). 3 submissions from 3 submitters: Uncertain significance (3). Last evaluated 2026-07-08.

Conditions:
Congenital heart defects, multiple types, 5. Identifiers: MedGen C4693563, MONDO:0060663, OMIM 617912.

Allele frequency attached by ClinVar (database versions not stated): 1000 Genomes Project 0.00060; gnomAD 0.00038 and 0.00032; TOPMed 0.00039; 1000 Genomes Project 30x 0.00062; gnomAD exomes 0.00003.
gnomAD v4.1: 89 of 1,357,276 alleles (0.0066%); highest among the groups gnomAD compares: African/African-American, 0.13%; no homozygotes.

Submissions (3):

GeneDx
Classification: Uncertain significance. Last evaluated: 2026-07-08. Review status: criteria provided, single submitter. Criteria: GeneDx Variant Classification Process June 2021. Collection method: clinical testing. Allele origin: germline.
Comment: In silico analysis suggests that this missense variant does not alter protein structure/function; Has not been previously published as pathogenic or benign in association with a GATA5-related disorder to our knowledge; This variant is associated with the following publications: (PMID: 23040494)

Labcorp Genetics (formerly Invitae), Labcorp
Classification: Uncertain significance. Last evaluated: 2025-01-22. Review status: criteria provided, single submitter. Criteria: Invitae Variant Classification Sherloc (09022015). Collection method: clinical testing. Allele origin: germline.
Comment: This sequence change replaces alanine, which is neutral and non-polar, with valine, which is neutral and non-polar, at codon 28 of the GATA5 protein (p.Ala28Val). The frequency data for this variant in the population databases is considered unreliable, as metrics indicate poor data quality at this position in the gnomAD database. This variant has not been reported in the literature in individuals affected with GATA5-related conditions. ClinVar contains an entry for this variant (Variation ID: 1190007). An algorithm developed to predict the effect of missense changes on protein structure and function (PolyPhen-2) suggests that this variant¬†is likely to be tolerated. In summary, the available evidence is currently insufficient to determine the role of this variant in disease. Therefore, it has been classified as a Variant of Uncertain Significance.

Revvity Omics, Revvity
Classification: Uncertain significance for Congenital heart defects, multiple types, 5. Last evaluated: 2022-11-08. Review status: criteria provided, single submitter. Criteria: ACMG Guidelines, 2015. Collection method: clinical testing. Allele origin: germline.